The following is an entry in ClinVar:

NM_000243.3(MEFV):c.331G>A (p.Gly111Arg)

Gene: MEFV (MEFV innate immunity regulator, pyrin; minus strand). Cytogenetic location: 16p13.3.
Variant type: single nucleotide variant.
Coding change: c.331G>A on transcript NM_000243.3 (MANE Select); coding-DNA position 331, G replaced by A.
Protein change: p.Gly111Arg; replaces glycine 111 with arginine.
Molecular consequence: missense variant. On other transcripts: intron variant (1).
Genome position (GRCh38, 1-based): chr16:3,254,737, C>T on the plus strand (G>A on the coding strand, the complement: MEFV is on the minus strand). VCF-style: chr16-3254737-C-T. GRCh37 (hg19) VCF-style: chr16-3304737-C-T.
Other names: c.277+1574G>A (NM_001198536.2); short protein forms G111R.
Identifiers: ClinVar variation 618207 (VCV000618207.21), dbSNP rs112739451, ClinGen allele CA276903197.
Genomic context (GRCh38, chr16:3,254,737, plus strand): 5'-CGTTCCCCTCGTTCCCCTCGGGGTGGTCTGGAGTCTTCAGGCTCCTGGGCTTGTTCTCCC[C>T]CAGGGAGCTGGACGCTGCGGAATCATCTGTGCCGTTTTCTTGTGTGGAATATTCTGGAAG-3'
Protein context (NP_000234.1, residues 101-121): TDDSAASSSL[Gly111Arg]ENKPRSLKTP

ClinVar aggregate classification (germline): Conflicting classifications of pathogenicity. Review status: criteria provided, conflicting classifications (1 of 4 stars). 8 submissions from 6 submitters: Uncertain significance (3); Benign (3). 2 of the submissions do not count toward it. Last evaluated 2024-12-16.

Conditions:
Familial Mediterranean fever (FMF). Also called: POLYSEROSITIS, FAMILIAL PAROXYSMAL; POLYSEROSITIS, RECURRENT; Periodic peritonitis; Benign paroxysmal peritonitis. Identifiers: Orphanet 342, MedGen C0031069, MONDO:0018088, OMIM 249100. Disease mechanism: gain of function.
Familial Mediterranean fever, autosomal dominant. Also called: Dominant Familial Mediterranean Fever; FMF, AUTOSOMAL DOMINANT. Identifiers: Orphanet 342, MedGen C1851347, MONDO:0007601, OMIM 134610.
Acute febrile neutrophilic dermatosis (AFND). Also called: Sweet Syndrome; Gomm Button disease. Identifiers: Orphanet 3243, MedGen C0085077, MONDO:0011959, OMIM 608068.
MEFV-related disorder. Also called: MEFV-related disorders; MEFV-related condition.

Allele frequency attached by ClinVar (database versions not stated): gnomAD exomes 0.00001; TOPMed 0.00011; gnomAD 0.00014.

Submissions (8):

Labcorp Genetics (formerly Invitae), Labcorp
Classification: Uncertain significance for Familial Mediterranean fever. Last evaluated: 2024-12-16. Review status: criteria provided, single submitter. Criteria: Invitae Variant Classification Sherloc (09022015). Collection method: clinical testing. Allele origin: germline.
Comment: This sequence change replaces glycine, which is neutral and non-polar, with arginine, which is basic and polar, at codon 111 of the MEFV protein (p.Gly111Arg). This variant is present in population databases (rs112739451, gnomAD 0.03%). This missense change has been observed in individual(s) with clinical features of MEFV-related conditions (PMID: 21520333). ClinVar contains an entry for this variant (Variation ID: 618207). An algorithm developed to predict the effect of missense changes on protein structure and function (PolyPhen-2) suggests that this variant¬†is likely to be tolerated. In summary, the available evidence is currently insufficient to determine the role of this variant in disease. Therefore, it has been classified as a Variant of Uncertain Significance.

Genome-Nilou Lab
Classification: Benign for Familial Mediterranean fever. Last evaluated: 2023-02-08. Review status: criteria provided, single submitter. Criteria: ACMG Guidelines, 2015. Collection method: clinical testing. Allele origin: germline.

Genome-Nilou Lab
Classification: Benign for Familial Mediterranean fever, autosomal dominant. Last evaluated: 2023-02-08. Review status: criteria provided, single submitter. Criteria: ACMG Guidelines, 2015. Collection method: clinical testing. Allele origin: germline.

Genome-Nilou Lab
Classification: Benign for Acute febrile neutrophilic dermatosis. Last evaluated: 2023-02-08. Review status: criteria provided, single submitter. Criteria: ACMG Guidelines, 2015. Collection method: clinical testing. Allele origin: germline.

Fulgent Genetics
Classification: Uncertain significance for Familial Mediterranean fever, autosomal dominant; Familial Mediterranean fever; Acute febrile neutrophilic dermatosis. Last evaluated: 2021-09-20. Review status: criteria provided, single submitter. Criteria: ACMG Guidelines, 2015. Collection method: clinical testing. Allele origin: unknown.

ARUP Laboratories, Molecular Genetics and Genomics, ARUP Laboratories
Classification: Uncertain significance. Last evaluated: 2017-06-27. Review status: criteria provided, single submitter. Criteria: ARUP Molecular Germline Variant Investigation Process. Collection method: clinical testing. Allele origin: germline.
Comment: The MEFV c.331G>A;p.Gly111Arg variant has been published in the medical literature in at least one individual with Crohnâ€™s disease, but the variant was not described as causative and was also detected in their presumably unaffected parent (Villani 2009). The variant is listed in the dbSNP variant database (rs112739451) with an allele frequency of 0.03 percent (7/23228 alleles) in the African population in the Genome Aggregation Database. The variant is not listed in the ClinVar database. The amino acid at this position is moderately conserved across species and computational algorithms (AlignGVGD, PolyPhen2, SIFT) predict this variant is tolerated. Taken together, there is insufficient information to classify this variant as benign or pathogenic with certainty. References: Villani AC et al. Genetic variation in the familial Mediterranean fever gene (MEFV) and risk for Crohn's disease and ulcerative colitis. PLoS One. 2009 Sep 28;4(9):e7154.

PreventionGenetics, part of Exact Sciences
Classification: Uncertain significance for MEFV-related condition. Last evaluated: 2024-02-07. Review status: no assertion criteria provided. Collection method: clinical testing. Allele origin: germline. Not counted in ClinVar's aggregate classification.
Comment: The MEFV c.331G>A variant is predicted to result in the amino acid substitution p.Gly111Arg. To our knowledge, this variant has not been reported in the literature. This variant is reported in 0.029% of alleles in individuals of African descent in gnomAD. At this time, the clinical significance of this variant is uncertain due to the absence of conclusive functional and genetic evidence.

Natera, Inc.
Classification: Uncertain significance for Familial Mediterranean fever. Last evaluated: 2019-10-28. Review status: no assertion criteria provided. Collection method: clinical testing. Allele origin: germline. Not counted in ClinVar's aggregate classification.

Literature cited by the submitters: PubMed 21520333 (cited by Labcorp Genetics (formerly Invitae), Labcorp).